The following is an entry in ClinVar:

NM_003673.4(TCAP):c.269C>T (p.Pro90Leu)

Gene: TCAP (titin-cap; plus strand). Cytogenetic location: 17q12.
Variant type: single nucleotide variant.
Coding change: c.269C>T on transcript NM_003673.4 (MANE Select); coding-DNA position 269, C replaced by T.
Protein change: p.Pro90Leu; replaces proline 90 with leucine.
Molecular consequence: missense variant.
Genome position (GRCh38, 1-based): chr17:39,665,874, C>T. VCF-style: chr17-39665874-C-T. GRCh37 (hg19) VCF-style: chr17-37822127-C-T.
Other names: short protein forms P90L.
Identifiers: ClinVar variation 177970 (VCV000177970.20), dbSNP rs727504427, ClinGen allele CA181091.

ClinVar aggregate classification (germline): Uncertain significance. Review status: criteria provided, multiple submitters, no conflicts (2 of 4 stars). 5 submissions from 5 submitters: Uncertain significance (5). Last evaluated 2026-01-13.

Conditions:
TCAP-related disorder. Also called: TCAP-related condition.
Primary familial hypertrophic cardiomyopathy (HCM). Identifiers: Orphanet 99739, MedGen C0949658, MeSH D024741, MONDO:0024573. Inheritance: Various modes of inheritance.
Hypertrophic cardiomyopathy 25 (CMH25). Also called: CARDIOMYOPATHY, FAMILIAL HYPERTROPHIC, 25. Identifiers: MedGen C4225408, MONDO:0011843, OMIM 607487.
Cardiovascular phenotype. Identifiers: MedGen CN230736.

Allele frequency attached by ClinVar (database versions not stated): gnomAD exomes below 0.00001 and 0.00003; gnomAD 0.00003; TOPMed 0.00003.
gnomAD v4.1: 43 of 1,611,378 alleles (0.0027%); highest among the groups gnomAD compares: Non-Finnish European, 0.0031%; no homozygotes.

Submissions (5):

Labcorp Genetics (formerly Invitae), Labcorp
Classification: Uncertain significance for Hypertrophic cardiomyopathy 25; Primary familial hypertrophic cardiomyopathy. Last evaluated: 2026-01-13. Review status: criteria provided, single submitter. Criteria: Invitae Variant Classification Sherloc (09022015). Collection method: clinical testing. Allele origin: germline.
Comment: This sequence change replaces proline, which is neutral and non-polar, with leucine, which is neutral and non-polar, at codon 90 of the TCAP protein (p.Pro90Leu). The frequency data for this variant in the population databases is considered unreliable, as metrics indicate poor data quality at this position in the gnomAD database. This missense change has been observed in individual(s) with either hypertrophic cardiomyopathy (HCM) and/or dilated cardiomyopathy (DCM) (PMID: 16352453, 27532257). ClinVar contains an entry for this variant (Variation ID: 177970). An algorithm developed to predict the effect of missense changes on protein structure and function (PolyPhen-2) suggests that this variant is likely to be disruptive. In summary, the available evidence is currently insufficient to determine the role of this variant in disease. Therefore, it has been classified as a Variant of Uncertain Significance.

PreventionGenetics, part of Exact Sciences
Classification: Uncertain significance for TCAP-related condition. Last evaluated: 2025-08-11. Review status: criteria provided, single submitter. Criteria: ACMG Guidelines, 2015. Collection method: clinical testing. Allele origin: germline.
Comment: The TCAP c.269C>T variant is predicted to result in the amino acid substitution p.Pro90Leu. This variant has been reported in one patient with hypertrophic cardiomyopathy (HCM), who was also heterozygous for a missense variant in a different HCM-related gene (Bos et al. 2006. PubMed ID: 16352453). This variant was also found in a patient with dilated cardiomyopathy (DCM) and was reported as a variant of uncertain significance (Table S1B, Walsh et al. 2017. PubMed ID: 27532257). This variant is reported in 0.0016% of alleles in individuals of European (Non-Finnish) descent in gnomAD. At this time, the clinical significance of this variant is uncertain due to the absence of conclusive functional and genetic evidence.

Ambry Genetics
Classification: Uncertain significance for Cardiovascular phenotype. Last evaluated: 2024-09-20. Review status: criteria provided, single submitter. Criteria: Ambry Variant Classification Scheme 2023. Collection method: clinical testing. Allele origin: germline.
Comment: The p.P90L variant (also known as c.269C>T), located in coding exon 2 of the TCAP gene, results from a C to T substitution at nucleotide position 269. The proline at codon 90 is replaced by leucine, an amino acid with similar properties. This amino acid position is highly conserved in available vertebrate species. In addition, the in silico prediction for this alteration is inconclusive. Based on the available evidence, the clinical significance of this variant remains unclear.

Revvity Omics, Revvity
Classification: Uncertain significance. Last evaluated: 2020-01-21. Review status: criteria provided, single submitter. Criteria: ACMG Guidelines, 2015. Collection method: clinical testing. Allele origin: germline.

Laboratory for Molecular Medicine, Mass General Brigham Personalized Medicine
Classification: Uncertain significance. Last evaluated: 2011-07-01. Review status: criteria provided, single submitter. Criteria: LMM Criteria. Collection method: clinical testing. Allele origin: germline. Observed: 1 variant allele.
Comment: The Pro90Leu variant has been reported in one individual with HCM and was absent from 400 control chromosomes (200 White, 200 Black; Bos 2006). Of note, this i ndividual also carried a MYBPC3 variant of possible significance (Gln998Arg). Proline (Pro) at position 90 is conserved a cross evolutionary distant species, suggesting that a change would not be tolera ted. However it is not conserved in a single mammalian species (chimp has an al anine), making it difficult to interpret this data. Three computer tools (Polyp hen2, SIFT, MAPP) predict this change to be deleterious; however, their accuracy is unknown. In summary, additional data (functional/segregation/control studies ) is needed to determine the clinical significance of this variant.

Literature cited by the submitters: PubMed 16352453 (cited by 3 submitters); PubMed 27532257 (cited by Labcorp Genetics (formerly Invitae), Labcorp).